The following is an entry in ClinVar:

ClinVar aggregate classification (germline): Uncertain significance (1 of 4 stars; one submission).

Conditions:
Mendelian susceptibility to mycobacterial diseases due to complete IL12RB1 deficiency. Also called: Immunodeficiency 30; IL12RB1 DEFICIENCY. Identifiers: Orphanet 319552, MedGen C4013949, MONDO:0013955, OMIM 614891.

Allele frequency attached by ClinVar (database versions not stated): ExAC 0.00002; TOPMed 0.00001; gnomAD 0.00004.
gnomAD v4.1: 27 of 1,612,446 alleles (0.0017%); highest among the groups gnomAD compares: African/African-American, 0.004%; no homozygotes.

Submission:

Labcorp Genetics (formerly Invitae), Labcorp
Classification: Uncertain significance for Mendelian susceptibility to mycobacterial diseases due to complete IL12RB1 deficiency. Last evaluated: 2022-06-10. Review status: criteria provided, single submitter. Criteria: Invitae Variant Classification Sherloc (09022015). Collection method: clinical testing. Allele origin: germline.
Comment: This sequence change replaces methionine, which is neutral and non-polar, with valine, which is neutral and non-polar, at codon 408 of the IL12RB1 protein (p.Met408Val). This variant is present in population databases (rs780762892, gnomAD 0.004%). This variant has not been reported in the literature in individuals affected with IL12RB1-related conditions. ClinVar contains an entry for this variant (Variation ID: 652704). Algorithms developed to predict the effect of missense changes on protein structure and function output the following: SIFT: "Tolerated"; PolyPhen-2: "Benign"; Align-GVGD: "Class C0". The valine amino acid residue is found in multiple mammalian species, which suggests that this missense change does not adversely affect protein function. In summary, the available evidence is currently insufficient to determine the role of this variant in disease. Therefore, it has been classified as a Variant of Uncertain Significance.

NM_005535.3(IL12RB1):c.1222A>G (p.Met408Val)

Gene: IL12RB1 (interleukin 12 receptor subunit beta 1; minus strand). Cytogenetic location: 19p13.11.
Variant type: single nucleotide variant.
Coding change: c.1222A>G on transcript NM_005535.3 (MANE Select); coding-DNA position 1222, A replaced by G.
Protein change: p.Met408Val; replaces methionine 408 with valine.
Molecular consequence: missense variant.
Genome position (GRCh38, 1-based): chr19:18,068,494, T>C on the plus strand (A>G on the coding strand, the complement: IL12RB1 is on the minus strand). VCF-style: chr19-18068494-T-C. GRCh37 (hg19) VCF-style: chr19-18179304-T-C.
Other names: c.1222A>G, p.Met408Val (NM_001290023.2); c.1342A>G, p.Met448Val (NM_001290024.2); short protein forms M408V, M448V.
Identifiers: ClinVar variation 652704 (VCV000652704.6), dbSNP rs780762892, ClinGen allele CA9304914.
Genomic context (GRCh38, chr19:18,068,494, plus strand): 5'-TGAGCTTCTCGGGGTGCGCAGAGGCAAAGATGGTAATGTAGTAACACTTTTCCTGCCCCA[T>C]TGCCCCAGACTCTCGACTCCAGCTGTAGGTTGCTGGAAGGATAAGCAAAGGCCAGGCCAT-3'
Protein context (NP_005526.1, residues 398-418): TYSWSRESGA[Met408Val]GQEKCYYITI